The following is an entry in ClinVar:

ClinVar aggregate classification (germline): Uncertain significance. Review status: criteria provided, multiple submitters, no conflicts (2 of 4 stars). 2 submissions from 2 submitters: Uncertain significance (2). Last evaluated 2025-10-30.

Conditions:
Inborn genetic diseases. Identifiers: MedGen C0950123, MeSH D030342.

gnomAD v4.1: 85 of 1,533,866 alleles (0.0055%); highest among the groups gnomAD compares: Non-Finnish European, 0.0069%; no homozygotes.

Submissions (2):

Women's Health and Genetics/Laboratory Corporation of America, LabCorp
Classification: Uncertain significance. Last evaluated: 2025-10-30. Review status: criteria provided, single submitter. Criteria: LabCorp Variant Classification Summary - May 2015. Collection method: clinical testing. Allele origin: germline.
Comment: Variant summary: C2orf69 c.5G>T (p.Trp2Leu) results in a non-conservative amino acid change in the encoded protein sequence. Algorithms developed to predict the effect of missense changes on protein structure and function are either unavailable or do not agree on the potential impact of this missense change. The variant allele was found at a frequency of 3.8e-05 in 130378 control chromosomes. The available data on variant occurrences in the general population are insufficient to allow any conclusion about variant significance. To our knowledge, no occurrence of c.5G>T in individuals affected with C2orf69-related conditions and no experimental evidence demonstrating its impact on protein function have been reported. ClinVar contains an entry for this variant (Variation ID: 2239755). Based on the evidence outlined above, the variant was classified as uncertain significance.

Ambry Genetics
Classification: Uncertain significance for Inborn genetic diseases. Last evaluated: 2021-07-28. Review status: criteria provided, single submitter. Criteria: Ambry Variant Classification Scheme 2023. Collection method: clinical testing. Allele origin: germline.

NM_153689.6(C2orf69):c.5G>T (p.Trp2Leu)

Genes: C2orf69 (chromosome 2 open reading frame 69; plus strand), LOC129935377 (ATAC-STARR-seq lymphoblastoid active region 16950; plus strand). Cytogenetic location: 2q33.1.
Variant type: single nucleotide variant.
Coding change: c.5G>T on transcript NM_153689.6 (MANE Select); coding-DNA position 5, G replaced by T.
Protein change: p.Trp2Leu; replaces tryptophan 2 with leucine.
Molecular consequence: missense variant.
Genome position (GRCh38, 1-based): chr2:199,911,443, G>T. VCF-style: chr2-199911443-G-T. GRCh37 (hg19) VCF-style: chr2-200776166-G-T.
Other names: short protein forms W2L.
Identifiers: ClinVar variation 2239755 (VCV002239755.3), dbSNP rs1022407764, ClinGen allele CA63782647.
Genomic context (GRCh38, chr2:199,911,443, plus strand): 5'-CCTCAGGAACCCCTCCGCCACCCTCCACCTCCGAACCGCTCTCGCGGCGGCGACCCATGT[G>T]GGGGTTCAGGCTCCTGCGGTCGCCGCCGTTGCTGCTCCTGCTGCCGCAGCTCGGAATCGG-3'
Protein context (NP_710156.3, residues 1-12): M[Trp2Leu]GFRLLRSPPL